The following is an entry in ClinVar:

NM_006231.4(POLE):c.1699T>G (p.Phe567Val)

Gene: POLE (DNA polymerase epsilon, catalytic subunit; minus strand). Cytogenetic location: 12q24.33.
Variant type: single nucleotide variant.
Coding change: c.1699T>G on transcript NM_006231.4 (MANE Select); coding-DNA position 1699, T replaced by G.
Protein change: p.Phe567Val; replaces phenylalanine 567 with valine.
Molecular consequence: missense variant.
Genome position (GRCh38, 1-based): chr12:132,672,310, A>C on the plus strand (T>G on the coding strand, the complement: POLE is on the minus strand). VCF-style: chr12-132672310-A-C. GRCh37 (hg19) VCF-style: chr12-133248896-A-C.
Other names: short protein forms F567V.
Identifiers: ClinVar variation 1014370 (VCV001014370.13), dbSNP rs2042946965, ClinGen allele CA387356401.

ClinVar aggregate classification (germline): Uncertain significance. Review status: criteria provided, multiple submitters, no conflicts (2 of 4 stars). 2 submissions from 2 submitters: Uncertain significance (2). Last evaluated 2025-06-23.

Conditions:
Hereditary cancer-predisposing syndrome. Also called: Hereditary Cancer Syndrome; Tumor predisposition; Neoplastic Syndromes, Hereditary; Hereditary neoplastic syndrome. Identifiers: Orphanet 140162, MedGen C0027672, MeSH D009386, MONDO:0015356.

Submissions (2):

Labcorp Genetics (formerly Invitae), Labcorp
Classification: Uncertain significance. Last evaluated: 2025-06-23. Review status: criteria provided, single submitter. Criteria: Invitae Variant Classification Sherloc (09022015). Collection method: clinical testing. Allele origin: germline.
Comment: This sequence change replaces phenylalanine, which is neutral and non-polar, with valine, which is neutral and non-polar, at codon 567 of the POLE protein (p.Phe567Val). This variant is not present in population databases (gnomAD no frequency). This variant has not been reported in the literature in individuals affected with POLE-related conditions. ClinVar contains an entry for this variant (Variation ID: 1014370). Invitae Evidence Modeling of protein sequence and biophysical properties (such as structural, functional, and spatial information, amino acid conservation, physicochemical variation, residue mobility, and thermodynamic stability) indicates that this missense variant is not expected to disrupt POLE protein function with a negative predictive value of 80%. In summary, the available evidence is currently insufficient to determine the role of this variant in disease. Therefore, it has been classified as a Variant of Uncertain Significance.

Ambry Genetics
Classification: Uncertain significance for Hereditary cancer-predisposing syndrome. Last evaluated: 2024-06-14. Review status: criteria provided, single submitter. Criteria: Ambry Variant Classification Scheme 2023. Collection method: clinical testing. Allele origin: germline.
Comment: The p.F567V variant (also known as c.1699T>G), located in coding exon 16 of the POLE gene, results from a T to G substitution at nucleotide position 1699. The phenylalanine at codon 567 is replaced by valine, an amino acid with highly similar properties. This amino acid position is conserved. In addition, the in silico prediction for this alteration is inconclusive. Since supporting evidence is limited at this time, the clinical significance of this alteration remains unclear.